The following is an entry in ClinVar:

ClinVar aggregate classification (germline): Likely pathogenic (0 of 4 stars; one submission).

Conditions:
CA2-related disorder. Also called: CA2-related condition.

gnomAD v4.1: 1 of 1,614,234 alleles (0.000062%); highest among the groups gnomAD compares: Admixed American, 0.0017%; no homozygotes.

Submission:

PreventionGenetics, part of Exact Sciences
Classification: Likely pathogenic for CA2-related condition. Last evaluated: 2023-10-28. Review status: no assertion criteria provided. Collection method: clinical testing. Allele origin: germline.
Comment: The CA2 c.153T>A variant is predicted to result in premature protein termination (p.Tyr51*). To our knowledge, this variant has not been reported in the literature or in a large population database, indicating this variant is rare. Nonsense variants in CA2 are expected to be pathogenic. This variant is interpreted as likely pathogenic.

NM_000067.3(CA2):c.153T>A (p.Tyr51Ter)

Gene: CA2 (carbonic anhydrase 2; plus strand). Cytogenetic location: 8q21.2.
Variant type: single nucleotide variant.
Coding change: c.153T>A on transcript NM_000067.3 (MANE Select); coding-DNA position 153, T replaced by A.
Protein change: p.Tyr51Ter; replaces tyrosine 51 with a stop codon.
Molecular consequence: nonsense. On other transcripts: 5 prime UTR variant (1).
Genome position (GRCh38, 1-based): chr8:85,465,390, T>A. VCF-style: chr8-85465390-T-A. GRCh37 (hg19) VCF-style: chr8-86377619-T-A.
Other names: c.-32T>A (NM_001293675.2); short protein forms Y51*.
Identifiers: ClinVar variation 3036420 (VCV003036420.2), dbSNP rs1469283598, ClinGen allele CA371424682.